The following is an entry in ClinVar:

ClinVar aggregate classification (germline): Likely benign. Review status: criteria provided, multiple submitters, no conflicts (2 of 4 stars). 2 submissions from 2 submitters: Likely benign (2). Last evaluated 2017-04-27.

Conditions:
Smith-McCort dysplasia 2 (SMC2). Identifiers: MedGen C3714896, MONDO:0014087, OMIM 615222.

Allele frequency attached by ClinVar (database versions not stated): gnomAD 0.01666 and 0.01770; TOPMed 0.01843; 1000 Genomes Project 0.01857; 1000 Genomes Project 30x 0.01905.

Submissions (2):

Illumina Laboratory Services, Illumina
Classification: Likely benign for Smith-McCort dysplasia 2. Last evaluated: 2017-04-27. Review status: criteria provided, single submitter. Criteria: ICSL Variant Classification Criteria 13 December 2019. Collection method: clinical testing. Allele origin: germline.
Comment: This variant was observed as part of a predisposition screen in an ostensibly healthy population. A literature search was performed for the gene, cDNA change, and amino acid change (where applicable). No publications were found based on this search. Allele frequency data from public databases allowed determination this variant is unlikely to cause disease. Therefore, this variant is classified as likely benign.

Breakthrough Genomics
Classification: Likely benign. Review status: criteria provided, single submitter. Criteria: ACMG Guidelines, 2015. Collection method: not provided. Allele origin: germline. Inheritance: Autosomal recessive inheritance. Affected: yes.

NM_031296.3(RAB33B):c.*2026G>A

Gene: RAB33B (RAB33B, member RAS oncogene family; plus strand). Cytogenetic location: 4q31.1.
Variant type: single nucleotide variant.
Coding change: c.*2026G>A on transcript NM_031296.3 (MANE Select); 2026 bases downstream of the stop codon, G replaced by A.
Molecular consequence: 3 prime UTR variant.
Genome position (GRCh38, 1-based): chr4:139,475,152, G>A. VCF-style: chr4-139475152-G-A. GRCh37 (hg19) VCF-style: chr4-140396306-G-A.
Identifiers: ClinVar variation 347589 (VCV000347589.6), dbSNP rs144602972, ClinGen allele CA10620125.